The following is an entry in ClinVar:

NM_001371596.2(MFSD8):c.1535G>A (p.Arg512Lys)

Gene: MFSD8 (major facilitator superfamily domain containing 8; minus strand). Cytogenetic location: 4q28.2.
Variant type: single nucleotide variant.
Coding change: c.1535G>A on transcript NM_001371596.2 (MANE Select); coding-DNA position 1535, G replaced by A.
Protein change: p.Arg512Lys; replaces arginine 512 with lysine.
Molecular consequence: missense variant.
Genome position (GRCh38, 1-based): chr4:127,920,652, C>T on the plus strand (G>A on the coding strand, the complement: MFSD8 is on the minus strand). VCF-style: chr4-127920652-C-T. GRCh37 (hg19) VCF-style: chr4-128841807-C-T.
Other names: p.R512K:AGA>AAA; c.1334G>A, p.Arg445Lys (NM_001363520.3); c.1220G>A, p.Arg407Lys (NM_001363521.3); c.1400G>A, p.Arg467Lys (NM_001371590.2); c.1544G>A, p.Arg515Lys (NM_001371591.2); c.1541G>A, p.Arg514Lys (NM_001371592.2); c.1421G>A, p.Arg474Lys (NM_001371593.2); c.1388G>A, p.Arg463Lys (NM_001371594.2); and 4 more; short protein forms R512K, R407K, R445K, R418K, R463K, R467K, R474K, R514K.
Identifiers: ClinVar variation 206166 (VCV000206166.7), dbSNP rs796052748, ClinGen allele CA315993.

ClinVar aggregate classification (germline): Uncertain significance. Review status: criteria provided, multiple submitters, no conflicts (2 of 4 stars). 4 submissions from 4 submitters: Uncertain significance (3). 1 of the submissions does not count toward it. Last evaluated 2024-12-07.

Conditions:
Inborn genetic diseases. Identifiers: MedGen C0950123, MeSH D030342.
Neuronal ceroid lipofuscinosis 7 (CLN7). Also called: MFSD8-Related Neuronal Ceroid-Lipofuscinosis. Identifiers: Orphanet 168491, Orphanet 228366, MedGen C1838571, MONDO:0012588, OMIM 610951.
Late-infantile neuronal ceroid lipofuscinosis. Also called: Jansky-Bielschowsky disease. Identifiers: MedGen C0022340, MONDO:0015674.

Allele frequency attached by ClinVar (database versions not stated): gnomAD exomes below 0.00001 and 0.00001; gnomAD 0.00002; TOPMed 0.00002.
gnomAD v4.1: 23 of 1,613,928 alleles (0.0014%); highest among the groups gnomAD compares: Non-Finnish European, 0.0019%; no homozygotes.

Submissions (4):

Ambry Genetics
Classification: Uncertain significance for Inborn genetic diseases. Last evaluated: 2024-12-07. Review status: criteria provided, single submitter. Criteria: Ambry Variant Classification Scheme 2023. Collection method: clinical testing. Allele origin: germline.

Labcorp Genetics (formerly Invitae), Labcorp
Classification: Uncertain significance for Neuronal ceroid lipofuscinosis 7. Last evaluated: 2022-04-15. Review status: criteria provided, single submitter. Criteria: Invitae Variant Classification Sherloc (09022015). Collection method: clinical testing. Allele origin: germline.
Comment: This sequence change replaces arginine, which is basic and polar, with lysine, which is basic and polar, at codon 512 of the MFSD8 protein (p.Arg512Lys). This variant is present in population databases (rs796052748, gnomAD 0.0009%). This variant has not been reported in the literature in individuals affected with MFSD8-related conditions. ClinVar contains an entry for this variant (Variation ID: 206166). Algorithms developed to predict the effect of missense changes on protein structure and function (SIFT, PolyPhen-2, Align-GVGD) all suggest that this variant is likely to be tolerated. In summary, the available evidence is currently insufficient to determine the role of this variant in disease. Therefore, it has been classified as a Variant of Uncertain Significance.

GeneDx
Classification: Uncertain significance. Last evaluated: 2014-02-19. Review status: criteria provided, single submitter. Criteria: GeneDx Variant Classification (06012015). Collection method: clinical testing. Allele origin: germline. Affected: yes.
Comment: p.Arg512Lys (AGA>AAA): c.1535 G>A in exon 13 of the MFSD8 gene (NM_152778.2)A variant of unknown significance has been identified in the MFSD8 gene. The Arg512Lys variant has not been published as a mutation, nor has it been reported as a benign polymorphism to our knowledge. It was not observed in approximately 6,500 individuals of European and African American ancestry in the NHLBI Exome Sequencing Project, indicating it is not a common benign variant in these populations. This substitution occurs at a position that is conserved across species. However, the Arg512Lys variant is a conservative amino acid substitution, which is not likely to impact secondary protein structure as these residues share similar properties. Additionally, in silico analysis is inconsistent in its predictions as to whether or not the variant is damaging to the protein structure/function. Therefore, based on the currently available information, it is unclear whether this variant is a pathogenic mutation or a rare benign variant. The variant is found in EPILEPSY panel(s).

Natera, Inc.
Classification: Uncertain significance for Late-infantile neuronal ceroid lipofuscinosis. Last evaluated: 2020-01-17. Review status: no assertion criteria provided. Collection method: clinical testing. Allele origin: germline. Not counted in ClinVar's aggregate classification.